The following is an entry in ClinVar:

NM_002485.5(NBN):c.2029G>A (p.Asp677Asn)

Gene: NBN (nibrin; minus strand). Cytogenetic location: 8q21.3.
Variant type: single nucleotide variant.
Coding change: c.2029G>A on transcript NM_002485.5 (MANE Select); coding-DNA position 2029, G replaced by A.
Protein change: p.Asp677Asn; replaces aspartic acid 677 with asparagine.
Molecular consequence: missense variant.
Genome position (GRCh38, 1-based): chr8:89,946,181, C>T on the plus strand (G>A on the coding strand, the complement: NBN is on the minus strand). VCF-style: chr8-89946181-C-T. GRCh37 (hg19) VCF-style: chr8-90958409-C-T.
Other names: p.D677N:GAT>AAT; c.1783G>A, p.Asp595Asn (NM_001024688.3); short protein forms D677N, D595N.
Identifiers: ClinVar variation 182727 (VCV000182727.33), dbSNP rs730881856, ClinGen allele CA299630.

ClinVar aggregate classification (germline): Conflicting classifications of pathogenicity. Review status: criteria provided, conflicting classifications (1 of 4 stars). 10 submissions from 10 submitters: Uncertain significance (8); Likely benign (2). Last evaluated 2025-10-23.

Conditions:
Hereditary cancer-predisposing syndrome. Also called: Tumor predisposition; Hereditary Cancer Syndrome; Hereditary neoplastic syndrome; Neoplastic Syndromes, Hereditary. Identifiers: Orphanet 140162, MedGen C0027672, MeSH D009386, MONDO:0015356.
Aplastic anemia. Identifiers: Orphanet 182040, Orphanet 88, MedGen C0002874, MONDO:0015909, OMIM 609135, HP:0001915.
Microcephaly, normal intelligence and immunodeficiency (NBS). Also called: IMMUNODEFICIENCY, MICROCEPHALY, AND CHROMOSOMAL INSTABILITY; SEEMANOVA SYNDROME II; Nijmegen breakage syndrome; Microcephaly with normal intelligence immunodeficiency and lymphoreticular malignancies; Nonsyndromal microcephaly autosomal recessive with normal intelligence; Seemanova syndrome 2. Identifiers: Orphanet 647, MedGen C0398791, MONDO:0009623, OMIM 251260.

Allele frequency attached by ClinVar (database versions not stated): gnomAD exomes 0.00001 and 0.00004; ExAC 0.00002; gnomAD 0.00002; TOPMed 0.00002.
gnomAD v4.1: 61 of 1,602,096 alleles (0.0038%); highest among the groups gnomAD compares: Middle Eastern, 0.017%; no homozygotes.

Submissions (10):

Labcorp Genetics (formerly Invitae), Labcorp
Classification: Uncertain significance for Microcephaly, normal intelligence and immunodeficiency. Last evaluated: 2025-10-23. Review status: criteria provided, single submitter. Criteria: Invitae Variant Classification Sherloc (09022015). Collection method: clinical testing. Allele origin: germline.
Comment: This sequence change replaces aspartic acid, which is acidic and polar, with asparagine, which is neutral and polar, at codon 677 of the NBN protein (p.Asp677Asn). This variant is present in population databases (rs730881856, gnomAD 0.007%). This variant has not been reported in the literature in individuals affected with NBN-related conditions. ClinVar contains an entry for this variant (Variation ID: 182727). An algorithm developed to predict the effect of missense changes on protein structure and function outputs the following: PolyPhen-2: "Benign". The asparagine amino acid residue is found in multiple mammalian species, which suggests that this missense change does not adversely affect protein function. In summary, the available evidence is currently insufficient to determine the role of this variant in disease. Therefore, it has been classified as a Variant of Uncertain Significance.

Mendelics
Classification: Likely benign for Microcephaly, normal intelligence and immunodeficiency. Last evaluated: 2025-06-23. Review status: criteria provided, single submitter. Criteria: ACMG Guidelines, 2015. Collection method: clinical testing. Allele origin: unknown.
Comment: This variant is considered likely benign or benign based on one or more of the following: it is predicted to be benign by multiple in silico algorithms, and/or has population frequency not consistent with disease, and/or has normal protein function, and/or has lack of segregation with disease, and/or has been detected in co-occurrence with known pathogenic variant, and/or has lack of disease association in case-control studies, and/or is located in a region inconsistent with a known cause of pathogenicity.

Institute for Biomarker Research, Medical Diagnostic Laboratories, L.L.C.
Classification: Uncertain significance for Hereditary cancer-predisposing syndrome. Last evaluated: 2025-05-07. Review status: criteria provided, single submitter. Criteria: ACMG Guidelines, 2015. Collection method: clinical testing. Allele origin: germline.
Comment: The missense variant NM_002485.5(NBN):c.2029G>A (p.Asp677Asn) has not been reported previously as a pathogenic variant, to our knowledge. There is a small physicochemical difference between aspartic acid and asparagine, which is not likely to impact secondary protein structure as these residues share similar properties.The p.Asp677Asn missense variant is predicted to be tolerated by both SIFT or PolyPhen2. . The nucleotide c.2029 in NBN is not conserved according to a GERP++ and PhyloP analysis of 100 vertebrates. For these reasons, this variant has been classified as Uncertain Significance.

GeneDx
Classification: Uncertain significance. Last evaluated: 2024-05-10. Review status: criteria provided, single submitter. Criteria: GeneDx Variant Classification Process June 2021. Collection method: clinical testing. Allele origin: germline. Affected: yes.
Comment: Not observed at significant frequency in large population cohorts (gnomAD); In silico analysis indicates that this missense variant does not alter protein structure/function; Observed in an individual with breast cancer (PMID: 29522266); This variant is associated with the following publications: (PMID: 34718612, 29522266, 36346689)

Women's Health and Genetics/Laboratory Corporation of America, LabCorp
Classification: Uncertain significance. Last evaluated: 2023-06-30. Review status: criteria provided, single submitter. Criteria: LabCorp Variant Classification Summary - May 2015. Collection method: clinical testing. Allele origin: germline.
Comment: Variant summary: NBN c.2029G>A (p.Asp677Asn) results in a conservative amino acid change in the encoded protein sequence. Five of five in-silico tools predict a benign effect of the variant on protein function. The variant allele was found at a frequency of 1.2e-05 in 250898 control chromosomes. The available data on variant occurrences in the general population are insufficient to allow any conclusion about variant significance. To our knowledge, no occurrence of c.2029G>A in individuals affected with Nijmegen Breakage Syndrome and no experimental evidence demonstrating its impact on protein function have been reported. Nine submitters have cited clinical-significance assessments for this variant to ClinVar after 2014. Multiple submitters reported the variant as VUS (n=7)and likely benign (n=2). Based on the evidence outlined above, the variant was classified as uncertain significance.

Quest Diagnostics Nichols Institute San Juan Capistrano
Classification: Uncertain significance. Last evaluated: 2021-06-18. Review status: criteria provided, single submitter. Criteria: Quest Diagnostics criteria. Collection method: clinical testing. Allele origin: unknown.

Genome-Nilou Lab
Classification: Uncertain significance for Microcephaly, normal intelligence and immunodeficiency. Last evaluated: 2021-05-18. Review status: criteria provided, single submitter. Criteria: ACMG Guidelines, 2015. Collection method: clinical testing. Allele origin: germline. Affected: no.

Sema4
Classification: Uncertain significance for Hereditary cancer-predisposing syndrome. Last evaluated: 2021-04-14. Review status: criteria provided, single submitter. Criteria: Sema4 Curation Guidelines. Collection method: curation. Allele origin: germline.
Comment: The NBN c.2029G>A (p.D677N) variant has not been reported in the literature to our knowledge. It was observed in 1/16236 chromosomes of the African/African American subpopulation, with no homozygotes, in the large and broad cohorts of the Genome Aggregation Database. The variant has been reported in ClinVar (Variation ID: 182727). In silico tools suggest the impact of the variant on protein function is benign, though these predictions have not been confirmed by functional studies. The evidence is insufficient to meet ACMG/AMP criteria for classifying the variant as benign or pathogenic. Thus, the clinical significance of this variant is currently uncertain.

Baylor Genetics
Classification: Uncertain significance for Aplastic anemia. Last evaluated: 2021-03-23. Review status: criteria provided, single submitter. Criteria: ACMG Guidelines, 2015. Collection method: clinical testing. Allele origin: unknown. Affected: yes. Study: CSER-TexasKidsCanSeq.
Comment: This variant was determined to be of uncertain significance according to ACMG Guidelines, 2015 [PMID:25741868].

Ambry Genetics
Classification: Likely benign for Hereditary cancer-predisposing syndrome. Last evaluated: 2018-06-28. Review status: criteria provided, single submitter. Criteria: Ambry Variant Classification Scheme 2023. Collection method: clinical testing. Allele origin: germline.

Literature cited by the submitters: PubMed 29522266 (cited by Quest Diagnostics Nichols Institute San Juan Capistrano).